The following is an entry in ClinVar:

ClinVar aggregate classification (germline): Conflicting classifications of pathogenicity. Review status: criteria provided, conflicting classifications (1 of 4 stars). 13 submissions from 13 submitters: Uncertain significance (5); Benign (3); Likely benign (2). 3 of the submissions do not count toward it. Last evaluated 2025-11-01.

Conditions:
Epilepsy, idiopathic generalized, susceptibility to, 9. Identifiers: Orphanet 307, MedGen C2750887, MONDO:0011892, OMIM 607682.
Episodic ataxia type 5. Identifiers: Orphanet 211067, MedGen C1866039, MONDO:0013464, OMIM 613855.
CACNB4-related disorder. Also called: CACNB4-Related Disorders; CACNB4-related condition.
Idiopathic generalized epilepsy. Also called: EIG; Generalised epilepsy. Identifiers: MedGen C0270850, MONDO:0005579, OMIM 600669.

Allele frequency attached by ClinVar (database versions not stated): 1000 Genomes Project 30x 0.00016; 1000 Genomes Project 0.00020; gnomAD exomes 0.00085 and 0.00145; gnomAD 0.00091 and 0.00092; TOPMed 0.00095; ExAC 0.00201.
gnomAD v4.1: 1,344 of 1,533,242 alleles (0.088%); highest among the groups gnomAD compares: Middle Eastern, 0.29%; 1 homozygote.

Submissions (13):

CeGaT Center for Human Genetics Tuebingen
Classification: Benign. Last evaluated: 2025-11-01. Review status: criteria provided, single submitter. Criteria: CeGaT Center For Human Genetics Tuebingen Variant Classification Criteria Version 2. Collection method: clinical testing. Allele origin: germline. Affected: yes. Observed: 2 variant alleles.
Comment: CACNB4: BS1, BS2

Blueprint Genetics
Classification: Likely benign. Last evaluated: 2024-11-21. Review status: criteria provided, single submitter. Criteria: ACMG Guidelines, 2015. Collection method: clinical testing. Allele origin: germline.

Labcorp Genetics (formerly Invitae), Labcorp
Classification: Likely benign for Idiopathic generalized epilepsy. Last evaluated: 2024-10-23. Review status: criteria provided, single submitter. Criteria: Invitae Variant Classification Sherloc (09022015). Collection method: clinical testing. Allele origin: germline.

Athena Diagnostics
Classification: Benign. Last evaluated: 2021-04-07. Review status: criteria provided, single submitter. Criteria: Athena Diagnostics criteria. Collection method: clinical testing. Allele origin: unknown.

Illumina Laboratory Services, Illumina
Classification: Benign for Episodic ataxia type 5. Last evaluated: 2018-01-12. Review status: criteria provided, single submitter. Criteria: ICSL Variant Classification Criteria 13 December 2019. Collection method: clinical testing. Allele origin: germline.
Comment: This variant was observed in the ICSL laboratory as part of a predisposition screen in an ostensibly healthy population. It had not been previously curated by ICSL or reported in the Human Gene Mutation Database (HGMD: prior to June 1st, 2018), and was therefore a candidate for classification through an automated scoring system. Utilizing variant allele frequency, disease prevalence and penetrance estimates, and inheritance mode, an automated score was calculated to assess if this variant is too frequent to cause the disease. Based on the score and internal cut-off values, a variant classified as benign is not then subjected to further curation. The score for this variant resulted in a classification of benign for this disease.

GeneDx
Classification: Uncertain significance. Last evaluated: 2017-12-12. Review status: criteria provided, single submitter. Criteria: GeneDx Variant Classification (06012015). Collection method: clinical testing. Allele origin: germline. Affected: yes.
Comment: The S2F variant of unknown significance has not been published as a pathogenic variant, nor has it been reported as a benign polymorphism to our knowledge. The 1000 Genomes Project reports S2F was observed in 1/214 alleles (0.5%) from individuals of Italian background (McVean et al., 2012). The S2F variant is a non-conservative amino acid substitution, which is likely to impact secondary protein structure as these residues differ in polarity, charge, size and/or other properties. This substitution alters a highly conserved position in the N-terminal region of the CACNB4 protein, and in silico analysis predicts this variant is probably damaging to the protein structure/function. However, to date only a small number of substitutions in CACNB4 have been published in association with epilepsy, and no pathogenic variants have been reported in the N-terminal region of the protein (Escayg et al., 2000; Ohmori et al., 2008). Therefore, based on the currently available information, it is unclear whether S2F is a pathogenic or a rare benign variant.

Fulgent Genetics
Classification: Uncertain significance for Epilepsy, idiopathic generalized, susceptibility to, 9; Episodic ataxia type 5. Last evaluated: 2017-05-23. Review status: criteria provided, single submitter. Criteria: ACMG Guidelines, 2015. Collection method: clinical testing. Allele origin: unknown.

Mayo Clinic Laboratories, Mayo Clinic
Classification: Uncertain significance for Epilepsy, idiopathic generalized, susceptibility to, 9. Last evaluated: 2016-03-31. Review status: criteria provided, single submitter. Criteria: ACMG Guidelines, 2015. Collection method: clinical testing. Allele origin: maternal.

Genetic Services Laboratory, University of Chicago
Classification: Uncertain significance. Last evaluated: 2015-08-04. Review status: criteria provided, single submitter. Criteria: ACMG Guidelines, 2015. Collection method: clinical testing. Allele origin: germline.

Eurofins Ntd Llc (ga)
Classification: Uncertain significance. Last evaluated: 2014-08-13. Review status: criteria provided, single submitter. Criteria: EGL Classification Definitions 2015. Collection method: clinical testing. Allele origin: germline. Observed: 1 variant allele, 1 heterozygote.

PreventionGenetics, part of Exact Sciences
Classification: Benign for CACNB4-related condition. Last evaluated: 2019-11-26. Review status: no assertion criteria provided. Collection method: clinical testing. Allele origin: germline. Not counted in ClinVar's aggregate classification.
Comment: This variant is classified as benign based on ACMG/AMP sequence variant interpretation guidelines (Richards et al. 2015 PMID: 25741868, with internal and published modifications).

Clinical Genetics DNA and cytogenetics Diagnostics Lab, Erasmus MC, Erasmus Medical Center
Classification: Likely benign. Review status: no assertion criteria provided. Collection method: clinical testing. Allele origin: germline. Affected: yes. Study: VKGL Data-share Consensus. Not counted in ClinVar's aggregate classification.

Genome Diagnostics Laboratory, University Medical Center Utrecht
Classification: Likely benign. Review status: no assertion criteria provided. Collection method: clinical testing. Allele origin: germline. Affected: yes. Study: VKGL Data-share Consensus. Not counted in ClinVar's aggregate classification.

NM_000726.5(CACNB4):c.5C>T (p.Ser2Phe)

Genes: CACNB4 (calcium voltage-gated channel auxiliary subunit beta 4; minus strand), LOC129934925 (ATAC-STARR-seq lymphoblastoid silent region 12010; plus strand). Cytogenetic location: 2q23.3.
Variant type: single nucleotide variant.
Coding change: c.5C>T on transcript NM_000726.5 (MANE Select); coding-DNA position 5, C replaced by T.
Protein change: p.Ser2Phe; replaces serine 2 with phenylalanine.
Molecular consequence: missense variant.
Genome position (GRCh38, 1-based): chr2:152,099,007, G>A on the plus strand (C>T on the coding strand, the complement: CACNB4 is on the minus strand). VCF-style: chr2-152099007-G-A. GRCh37 (hg19) VCF-style: chr2-152955521-G-A.
Other names: c.5C>T, p.Ser2Phe (NM_001145798.3); short protein forms S2F.
Identifiers: ClinVar variation 193120 (VCV000193120.58), dbSNP rs200092211, ClinGen allele CA209568.